The following is an entry in ClinVar:

ClinVar aggregate classification (germline): Uncertain significance. Review status: criteria provided, multiple submitters, no conflicts (2 of 4 stars). 2 submissions from 2 submitters: Uncertain significance (2). Last evaluated 2024-06-17.

Submissions (2):

Ambry Genetics
Classification: Uncertain significance. Last evaluated: 2024-06-17. Review status: criteria provided, single submitter. Criteria: Ambry Variant Classification Scheme 2023. Collection method: clinical testing. Allele origin: germline.

Labcorp Genetics (formerly Invitae), Labcorp
Classification: Uncertain significance. Last evaluated: 2024-02-24. Review status: criteria provided, single submitter. Criteria: Invitae Variant Classification Sherloc (09022015). Collection method: clinical testing. Allele origin: germline.
Comment: This sequence change replaces threonine, which is neutral and polar, with alanine, which is neutral and non-polar, at codon 283 of the KCNK4 protein (p.Thr283Ala). This variant is not present in population databases (gnomAD no frequency). This variant has not been reported in the literature in individuals affected with KCNK4-related conditions. ClinVar contains an entry for this variant (Variation ID: 2008131). An algorithm developed to predict the effect of missense changes on protein structure and function (PolyPhen-2) suggests that this variant is likely to be disruptive. In summary, the available evidence is currently insufficient to determine the role of this variant in disease. Therefore, it has been classified as a Variant of Uncertain Significance.

NM_033310.3(KCNK4):c.847A>G (p.Thr283Ala)

Genes: KCNK4 (potassium two pore domain channel subfamily K member 4; plus strand), KCNK4-CATSPERZ (KCNK4-CATSPERZ readthrough (NMD candidate); plus strand). Cytogenetic location: 11q13.1.
Variant type: single nucleotide variant.
Coding change: c.847A>G on transcript NM_033310.3 (MANE Select); coding-DNA position 847, A replaced by G.
Protein change: p.Thr283Ala; replaces threonine 283 with alanine.
Molecular consequence: missense variant. On other transcripts: non-coding transcript variant (3).
Genome position (GRCh38, 1-based): chr11:64,299,391, A>G. VCF-style: chr11-64299391-A-G. GRCh37 (hg19) VCF-style: chr11-64066863-A-G.
Other names: c.847A>G, p.Thr283Ala (NM_001317090.2, NM_033311.1); c.847A>G (NM_033310.2); short protein forms T283A.
Identifiers: ClinVar variation 2008131 (VCV002008131.5), dbSNP rs2495701358, ClinGen allele CA381067041.